The following is an entry in ClinVar:

ClinVar aggregate classification (germline): Uncertain significance (1 of 4 stars; one submission).

Submission:

GeneDx
Classification: Uncertain significance. Last evaluated: 2022-06-09. Review status: criteria provided, single submitter. Criteria: GeneDx Variant Classification Process June 2021. Collection method: clinical testing. Allele origin: germline. Affected: yes.
Comment: Not observed at significant frequency in large population cohorts (gnomAD); In silico analysis supports that this missense variant has a deleterious effect on protein structure/function; Has not been previously published as pathogenic or benign to our knowledge

NM_012154.5(AGO2):c.2413T>C (p.Tyr805His)

Gene: AGO2 (argonaute RISC catalytic component 2; minus strand). Cytogenetic location: 8q24.3.
Variant type: single nucleotide variant.
Coding change: c.2413T>C on transcript NM_012154.5 (MANE Select); coding-DNA position 2413, T replaced by C.
Protein change: p.Tyr805His; replaces tyrosine 805 with histidine.
Molecular consequence: missense variant.
Genome position (GRCh38, 1-based): chr8:140,532,474, A>G on the plus strand (T>C on the coding strand, the complement: AGO2 is on the minus strand). VCF-style: chr8-140532474-A-G. GRCh37 (hg19) VCF-style: chr8-141542573-A-G.
Other names: c.2311T>C, p.Tyr771His (NM_001164623.3); short protein forms Y771H, Y805H.
Identifiers: ClinVar variation 1803578 (VCV001803578.1), dbSNP rs2540672167, ClinGen allele CA372331038.